The following is an entry in ClinVar:

NM_000292.3(PHKA2):c.93del (p.Leu32fs)

Gene: PHKA2 (phosphorylase kinase regulatory subunit alpha 2; minus strand). Cytogenetic location: Xp22.13.
Variant type: Deletion.
Coding change: c.93del on transcript NM_000292.3 (MANE Select); coding-DNA position 93, one base deleted (G; older notation c.93delG).
Protein change: p.Leu32fs; shifts the reading frame from leucine 32.
Molecular consequence: frameshift variant.
Genome position (GRCh38, 1-based): chrX:18,954,398, C deleted on the plus strand (G on the coding strand, the reverse complement: PHKA2 is on the minus strand); the first of 4 consecutive C bases (chrX:18,954,398-18,954,401); deleting any one gives the same sequence. VCF-style (leftmost placement, unchanged base first): chrX-18954397-GC-G. GRCh37 (hg19) VCF-style: chrX-18972515-GC-G.
Other names: short protein forms L32fs.
Identifiers: ClinVar variation 933869 (VCV000933869.9), dbSNP rs2048744617, ClinGen allele CA1139667257.
Genomic context (GRCh38, chrX:18,954,397, plus strand): 5'-GGATACTGTAGATGTTATCCCGCACCCAGGCATCCTTCTGCTCATGGCTGGCTGACAGCA[GC>G]CCCGTGACGGGATTCTATTAGAGAAGAGACACAAAATGGCTCAGTGCCATCCTTCATGCA-3'

ClinVar aggregate classification (germline): Pathogenic (1 of 4 stars; one submission).

Conditions:
Glycogen storage disease IXa1. Also called: Glycogen storage disease 8; LIVER GLYCOGENOSIS, X-LINKED, TYPE I; GLYCOGEN STORAGE DISEASE VIII; GSD VIII. Identifiers: Orphanet 264580, MedGen C3694531, MONDO:0010598, OMIM 306000.

Submission:

Labcorp Genetics (formerly Invitae), Labcorp
Classification: Pathogenic for Glycogen storage disease IXa1. Last evaluated: 2021-03-24. Review status: criteria provided, single submitter. Criteria: Invitae Variant Classification Sherloc (09022015). Collection method: clinical testing. Allele origin: germline.
Comment: This sequence change creates a premature translational stop signal (p.Leu32Cysfs*51) in the PHKA2 gene. It is expected to result in an absent or disrupted protein product. Loss-of-function variants in PHKA2 are known to be pathogenic (PMID: 7711737, 10330341). This variant is not present in population databases (ExAC no frequency). This variant has not been reported in the literature in individuals with PHKA2-related conditions. ClinVar contains an entry for this variant (Variation ID: 933869). For these reasons, this variant has been classified as Pathogenic.

Literature cited by the submitters: PubMed 7711737; PubMed 10330341.